The following is an entry in ClinVar:

NM_004082.5(DCTN1):c.757A>G (p.Ile253Val)

Gene: DCTN1 (dynactin subunit 1; minus strand). Cytogenetic location: 2p13.1.
Variant type: single nucleotide variant.
Coding change: c.757A>G on transcript NM_004082.5 (MANE Select); coding-DNA position 757, A replaced by G.
Protein change: p.Ile253Val; replaces isoleucine 253 with valine.
Molecular consequence: missense variant. On other transcripts: non-coding transcript variant (1).
Genome position (GRCh38, 1-based): chr2:74,371,065, T>C on the plus strand (A>G on the coding strand, the complement: DCTN1 is on the minus strand). VCF-style: chr2-74371065-T-C. GRCh37 (hg19) VCF-style: chr2-74598192-T-C.
Other names: c.697A>G, p.Ile233Val (NM_001135040.3); c.355A>G, p.Ile119Val (NM_001135041.3, NM_023019.4); c.646A>G, p.Ile216Val (NM_001190836.2); c.736A>G, p.Ile246Val (NM_001190837.2); c.706A>G, p.Ile236Val (NM_001378991.1); c.688A>G, p.Ile230Val (NM_001378992.1); short protein forms I119V, I216V, I230V, I233V, I236V, I246V, I253V.
Identifiers: ClinVar variation 3365286 (VCV003365286.1).

ClinVar aggregate classification (germline): Uncertain significance (1 of 4 stars; one submission).

Submission:

GeneDx
Classification: Uncertain significance. Last evaluated: 2023-12-07. Review status: criteria provided, single submitter. Criteria: GeneDx Variant Classification Process June 2021. Collection method: clinical testing. Allele origin: germline. Affected: yes.
Comment: Not observed at significant frequency in large population cohorts (gnomAD); In silico analysis supports that this missense variant does not alter protein structure/function; Has not been previously published as pathogenic or benign to our knowledge